The following is an entry in ClinVar:

NM_001105206.3(LAMA4):c.944A>G (p.Asn315Ser)

Gene: LAMA4 (laminin subunit alpha 4; minus strand). Cytogenetic location: 6q21.
Variant type: single nucleotide variant.
Coding change: c.944A>G on transcript NM_001105206.3 (MANE Select); coding-DNA position 944, A replaced by G.
Protein change: p.Asn315Ser; replaces asparagine 315 with serine.
Molecular consequence: missense variant.
Genome position (GRCh38, 1-based): chr6:112,187,472, T>C on the plus strand (A>G on the coding strand, the complement: LAMA4 is on the minus strand). VCF-style: chr6-112187472-T-C. GRCh37 (hg19) VCF-style: chr6-112508674-T-C.
Other names: c.923A>G, p.Asn308Ser (NM_001105207.3, NM_002290.5); short protein forms N308S, N315S.
Identifiers: ClinVar variation 474184 (VCV000474184.15), dbSNP rs1029188462, ClinGen allele CA144883824.

ClinVar aggregate classification (germline): Conflicting classifications of pathogenicity. Review status: criteria provided, conflicting classifications (1 of 4 stars). 4 submissions from 4 submitters: Uncertain significance (3); Likely benign (1). Last evaluated 2025-08-16.

Conditions:
Cardiovascular phenotype. Identifiers: MedGen CN230736.
Dilated cardiomyopathy 1JJ (CMD1JJ). Identifiers: Orphanet 154, MedGen C3808935, MONDO:0014095, OMIM 615235.

Allele frequency attached by ClinVar (database versions not stated): gnomAD 0.00001; gnomAD exomes 0.00001; TOPMed 0.00001.
gnomAD v4.1: 9 of 1,613,954 alleles (0.00056%); highest among the groups gnomAD compares: East Asian, 0.0089%; no homozygotes.

Submissions (4):

Labcorp Genetics (formerly Invitae), Labcorp
Classification: Uncertain significance for Dilated cardiomyopathy 1JJ. Last evaluated: 2025-08-16. Review status: criteria provided, single submitter. Criteria: Invitae Variant Classification Sherloc (09022015). Collection method: clinical testing. Allele origin: germline.
Comment: This sequence change replaces asparagine, which is neutral and polar, with serine, which is neutral and polar, at codon 308 of the LAMA4 protein (p.Asn308Ser). This variant is present in population databases (no rsID available, gnomAD 0.01%). This variant has not been reported in the literature in individuals affected with LAMA4-related conditions. ClinVar contains an entry for this variant (Variation ID: 474184). Invitae Evidence Modeling of protein sequence and biophysical properties (such as structural, functional, and spatial information, amino acid conservation, physicochemical variation, residue mobility, and thermodynamic stability) indicates that this missense variant is expected to disrupt LAMA4 protein function with a positive predictive value of 80%. In summary, the available evidence is currently insufficient to determine the role of this variant in disease. Therefore, it has been classified as a Variant of Uncertain Significance.

Ambry Genetics
Classification: Likely benign for Cardiovascular phenotype. Last evaluated: 2024-10-25. Review status: criteria provided, single submitter. Criteria: Ambry Variant Classification Scheme 2023. Collection method: clinical testing. Allele origin: germline.

Fulgent Genetics
Classification: Uncertain significance for Dilated cardiomyopathy 1JJ. Last evaluated: 2021-10-14. Review status: criteria provided, single submitter. Criteria: ACMG Guidelines, 2015. Collection method: clinical testing. Allele origin: unknown.

GeneDx
Classification: Uncertain significance. Last evaluated: 2021-06-03. Review status: criteria provided, single submitter. Criteria: GeneDx Variant Classification Process June 2021. Collection method: clinical testing. Allele origin: germline. Affected: yes.
Comment: Has not been previously published as pathogenic or benign to our knowledge; Reported in ClinVar as a variant of uncertain significance (ClinVar Variant ID# 474184; Landrum et al., 2016); Not observed at significant frequency in large population cohorts (Lek et al., 2016); In silico analysis supports that this missense variant has a deleterious effect on protein structure/function; This variant is associated with the following publications: (PMID: 27535533)